The following is an entry in ClinVar:

NM_198578.4(LRRK2):c.4876A>G (p.Ile1626Val)

Gene: LRRK2 (leucine rich repeat kinase 2; plus strand). Cytogenetic location: 12q12.
Variant type: single nucleotide variant.
Coding change: c.4876A>G on transcript NM_198578.4 (MANE Select); coding-DNA position 4876, A replaced by G.
Protein change: p.Ile1626Val; replaces isoleucine 1626 with valine.
Molecular consequence: missense variant.
Genome position (GRCh38, 1-based): chr12:40,320,036, A>G. VCF-style: chr12-40320036-A-G. GRCh37 (hg19) VCF-style: chr12-40713838-A-G.
Other names: short protein forms I1626V.
Identifiers: ClinVar variation 3721121 (VCV003721121.2).

ClinVar aggregate classification (germline): Uncertain significance (1 of 4 stars; one submission).

Conditions:
Autosomal dominant Parkinson disease 8. Also called: LRRK2-Related Parkinson Disease; Parkinson disease 8; Parkinson disease 8, susceptibility to. Identifiers: Orphanet 411602, MedGen C1846862, MONDO:0011764, OMIM 607060.

Submission:

Labcorp Genetics (formerly Invitae), Labcorp
Classification: Uncertain significance for Autosomal dominant Parkinson disease 8. Last evaluated: 2025-10-13. Review status: criteria provided, single submitter. Criteria: Invitae Variant Classification Sherloc (09022015). Collection method: clinical testing. Allele origin: germline.
Comment: This sequence change replaces isoleucine, which is neutral and non-polar, with valine, which is neutral and non-polar, at codon 1626 of the LRRK2 protein (p.Ile1626Val). This variant is not present in population databases (gnomAD no frequency). This missense change has been observed in individual(s) with Parkinson disease (PMID: 24565865). ClinVar contains an entry for this variant (Variation ID: 3721121). Invitae Evidence Modeling of protein sequence and biophysical properties (such as structural, functional, and spatial information, amino acid conservation, physicochemical variation, residue mobility, and thermodynamic stability) has been performed for this missense variant. However, the output from this modeling did not meet the statistical confidence thresholds required to predict the impact of this variant on LRRK2 protein function. In summary, the available evidence is currently insufficient to determine the role of this variant in disease. Therefore, it has been classified as a Variant of Uncertain Significance.

Literature cited by the submitters: PubMed 24565865.